The following is an entry in ClinVar:

NM_016222.4(DDX41):c.248C>T (p.Ser83Phe)

Gene: DDX41 (DEAD-box helicase 41; minus strand). Cytogenetic location: 5q35.3.
Variant type: single nucleotide variant.
Coding change: c.248C>T on transcript NM_016222.4 (MANE Select); coding-DNA position 248, C replaced by T.
Protein change: p.Ser83Phe; replaces serine 83 with phenylalanine.
Molecular consequence: missense variant. On other transcripts: 5 prime UTR variant (2).
Genome position (GRCh38, 1-based): chr5:177,516,338, G>A on the plus strand (C>T on the coding strand, the complement: DDX41 is on the minus strand). VCF-style: chr5-177516338-G-A. GRCh37 (hg19) VCF-style: chr5-176943339-G-A.
Other names: c.-131C>T (NM_001321732.2, NM_001321830.2); c.248C>T (NM_016222.2); short protein forms S83F.
Identifiers: ClinVar variation 2984038 (VCV002984038.4), dbSNP rs771776006, ClinGen allele CA3585297.

ClinVar aggregate classification (germline): Uncertain significance. Review status: criteria provided, multiple submitters, no conflicts (2 of 4 stars). 2 submissions from 2 submitters: Uncertain significance (2). Last evaluated 2025-09-01.

Conditions:
Inborn genetic diseases. Identifiers: MedGen C0950123, MeSH D030342.

Allele frequency attached by ClinVar (database versions not stated): gnomAD exomes 0.00001; ExAC 0.00001.
gnomAD v4.1: 3 of 1,614,158 alleles (0.00019%); highest among the groups gnomAD compares: South Asian, 0.0022%; no homozygotes.

Submissions (2):

Labcorp Genetics (formerly Invitae), Labcorp
Classification: Uncertain significance. Last evaluated: 2025-09-01. Review status: criteria provided, single submitter. Criteria: Invitae Variant Classification Sherloc (09022015). Collection method: clinical testing. Allele origin: germline.
Comment: This sequence change replaces serine, which is neutral and polar, with phenylalanine, which is neutral and non-polar, at codon 83 of the DDX41 protein (p.Ser83Phe). This variant is present in population databases (rs771776006, gnomAD 0.006%). This variant has not been reported in the literature in individuals affected with DDX41-related conditions. ClinVar contains an entry for this variant (Variation ID: 2984038). An algorithm developed to predict the effect of missense changes on protein structure and function (PolyPhen-2) suggests that this variant is likely to be disruptive. In summary, the available evidence is currently insufficient to determine the role of this variant in disease. Therefore, it has been classified as a Variant of Uncertain Significance.

Ambry Genetics
Classification: Uncertain significance for Inborn genetic diseases. Last evaluated: 2025-01-28. Review status: criteria provided, single submitter. Criteria: Ambry Variant Classification Scheme 2023. Collection method: clinical testing. Allele origin: germline.
Comment: The p.S83F variant (also known as c.248C>T), located in coding exon 3 of the DDX41 gene, results from a C to T substitution at nucleotide position 248. The serine at codon 83 is replaced by phenylalanine, an amino acid with highly dissimilar properties. This amino acid position is highly conserved in available vertebrate species. In addition, the in silico prediction for this alteration is inconclusive. Based on the available evidence, the clinical significance of this variant remains unclear.